The following is an entry in ClinVar:

ClinVar aggregate classification (germline): Likely pathogenic (1 of 4 stars; one submission).

Conditions:
RP1-related recessive retinopathy. Identifiers: MedGen CN322605, MONDO:0800399.

Submission:

Department of Ophthalmology, Seoul National University Bundang Hospital
Classification: Likely pathogenic for RP1-related recessive retinopathy. Last evaluated: 2026-10-19. Review status: criteria provided, single submitter. Criteria: ACMG Guidelines, 2015. Collection method: clinical testing. Allele origin: germline. Inheritance: Autosomal recessive inheritance. Affected: yes.
Comment: Nonsense variant in exon 4. Identified in a Korean multicenter RP1 cohort (PMID:42847597) with recessive retinitis pigmentosa and macular dystrophy. ACMG/AMP criteria: PVS1, PM2. Previously reported by Yoon et al., 2015 (PMID:26155838).

Literature cited by the submitters: PubMed 42847597; PubMed 26155838.

NM_006269.2(RP1):c.1455T>G (p.Tyr485Ter)

Gene: RP1 (RP1 axonemal microtubule associated; plus strand). Cytogenetic location: 8q12.1.
Variant type: single nucleotide variant.
Coding change: c.1455T>G on transcript NM_006269.2 (MANE Select); coding-DNA position 1455, T replaced by G.
Protein change: p.Tyr485Ter; replaces tyrosine 485 with a stop codon.
Molecular consequence: nonsense. On other transcripts: intron variant (1).
Genome position (GRCh38, 1-based): chr8:54,625,337, T>G. VCF-style: chr8-54625337-T-G. GRCh37 (hg19) VCF-style: chr8-55537897-T-G.
Other names: p.Tyr485*; c.787+3049T>G (NM_001375654.1); short protein forms Y485*.
Identifiers: ClinVar variation 5042636 (VCV005042636.1).
Genomic context (GRCh38, chr8:54,625,337, plus strand): 5'-CAGTGTGACCTTAGTATCTGAAACTGAGGTTCAAGAGAAAATGATTGGACAGTTTTCATA[T>G]AGTGAAGAAAGGGAAAGTGGGGAAAACAAGTCTGAGTATCACATGTTTACACATTCTTGC-3'